The following is an entry in ClinVar:

ClinVar aggregate classification (germline): Likely benign. Review status: criteria provided, multiple submitters, no conflicts (2 of 4 stars). 2 submissions from 2 submitters: Likely benign (2). Last evaluated 2025-11-01.

gnomAD v4.1: 13 of 1,614,108 alleles (0.00081%); highest among the groups gnomAD compares: East Asian, 0.0022%; no homozygotes.

Submissions (2):

CeGaT Center for Human Genetics Tuebingen
Classification: Likely benign. Last evaluated: 2025-11-01. Review status: criteria provided, single submitter. Criteria: CeGaT Center For Human Genetics Tuebingen Variant Classification Criteria Version 2. Collection method: clinical testing. Allele origin: germline. Affected: yes. Observed: 1 variant allele.
Comment: NSD1: BP4, BP7

Labcorp Genetics (formerly Invitae), Labcorp
Classification: Likely benign. Last evaluated: 2024-05-28. Review status: criteria provided, single submitter. Criteria: Invitae Variant Classification Sherloc (09022015). Collection method: clinical testing. Allele origin: germline.

NM_022455.5(NSD1):c.5781C>T (p.Ala1927=)

Gene: NSD1 (nuclear receptor binding SET domain protein 1; plus strand). Cytogenetic location: 5q35.3.
Variant type: single nucleotide variant.
Coding change: c.5781C>T on transcript NM_022455.5 (MANE Select); coding-DNA position 5781, C replaced by T.
Protein change: p.Ala1927=; no amino-acid change (alanine 1927 retained).
Molecular consequence: synonymous variant.
Genome position (GRCh38, 1-based): chr5:177,280,723, C>T. VCF-style: chr5-177280723-C-T. GRCh37 (hg19) VCF-style: chr5-176707724-C-T.
Other names: c.4908C>T, p.Ala1636= (NM_001365684.2, NM_001409308.1, NM_001409309.1 and 1 more transcripts); c.5781C>T, p.Ala1927= (NM_001409301.1, NM_001409302.1, NM_001409303.1); c.5361C>T, p.Ala1787= (NM_001409304.1); c.5028C>T, p.Ala1676= (NM_001409305.1); c.5019C>T, p.Ala1673= (NM_001409306.1, NM_001409307.1).
Identifiers: ClinVar variation 3626451 (VCV003626451.8).